The following is an entry in ClinVar:

NM_017636.4(TRPM4):c.1276G>A (p.Glu426Lys)

Gene: TRPM4 (transient receptor potential cation channel subfamily M member 4; plus strand). Cytogenetic location: 19q13.33.
Variant type: single nucleotide variant.
Coding change: c.1276G>A on transcript NM_017636.4 (MANE Select); coding-DNA position 1276, G replaced by A.
Protein change: p.Glu426Lys; replaces glutamic acid 426 with lysine.
Molecular consequence: missense variant. On other transcripts: 5 prime UTR variant (1).
Genome position (GRCh38, 1-based): chr19:49,182,590, G>A. VCF-style: chr19-49182590-G-A. GRCh37 (hg19) VCF-style: chr19-49685847-G-A.
Other names: c.1276G>A, p.Glu426Lys (NM_001195227.2); c.931G>A, p.Glu311Lys (NM_001321281.2); c.-278G>A (NM_001321282.2); c.754G>A, p.Glu252Lys (NM_001321283.2); c.214G>A, p.Glu72Lys (NM_001321285.2); short protein forms E252K, E72K, E426K, E311K.
Identifiers: ClinVar variation 2076967 (VCV002076967.4), dbSNP rs2514114704, ClinGen allele CA406798851.

ClinVar aggregate classification (germline): Uncertain significance (1 of 4 stars; one submission).

Conditions:
Progressive familial heart block type IB (PFHB1B). Identifiers: Orphanet 871, MedGen C1970298, MONDO:0011474, OMIM 604559.

Allele frequency attached by ClinVar (database versions not stated): gnomAD exomes below 0.00001.
gnomAD v4.1: 4 of 1,613,354 alleles (0.00025%); highest among the groups gnomAD compares: Middle Eastern, 0.033%; no homozygotes.

Submission:

Labcorp Genetics (formerly Invitae), Labcorp
Classification: Uncertain significance for Progressive familial heart block type IB. Last evaluated: 2021-12-17. Review status: criteria provided, single submitter. Criteria: Invitae Variant Classification Sherloc (09022015). Collection method: clinical testing. Allele origin: germline.
Comment: In summary, the available evidence is currently insufficient to determine the role of this variant in disease. Therefore, it has been classified as a Variant of Uncertain Significance. Algorithms developed to predict the effect of missense changes on protein structure and function are either unavailable or do not agree on the potential impact of this missense change (SIFT: "Deleterious"; PolyPhen-2: "Possibly Damaging"; Align-GVGD: "Class C0"). This variant has not been reported in the literature in individuals affected with TRPM4-related conditions. This variant is not present in population databases (gnomAD no frequency). This sequence change replaces glutamic acid, which is acidic and polar, with lysine, which is basic and polar, at codon 426 of the TRPM4 protein (p.Glu426Lys).